The following is an entry in ClinVar:

NM_003638.3(ITGA8):c.3150C>T (p.Thr1050=)

Gene: ITGA8 (integrin subunit alpha 8; minus strand). Cytogenetic location: 10p13.
Variant type: single nucleotide variant.
Coding change: c.3150C>T on transcript NM_003638.3 (MANE Select); coding-DNA position 3150, C replaced by T.
Protein change: p.Thr1050=; no amino-acid change (threonine 1050 retained).
Molecular consequence: synonymous variant.
Genome position (GRCh38, 1-based): chr10:15,517,200, G>A on the plus strand (C>T on the coding strand, the complement: ITGA8 is on the minus strand). VCF-style: chr10-15517200-G-A. GRCh37 (hg19) VCF-style: chr10-15559199-G-A.
Other names: c.3105C>T, p.Thr1035= (NM_001291494.2).
Identifiers: ClinVar variation 4981939 (VCV004981939.1).

ClinVar aggregate classification (germline): Likely benign (1 of 4 stars; one submission).

Conditions:
ITGA8-related disorder. Also called: ITGA8-related condition.

gnomAD v4.1: 29 of 1,613,034 alleles (0.0018%); highest among the groups gnomAD compares: East Asian, 0.033%; no homozygotes.

Submission:

PreventionGenetics, part of Exact Sciences
Classification: Likely benign for ITGA8-related condition. Last evaluated: 2026-02-11. Review status: criteria provided, single submitter. Criteria: ACMG Guidelines, 2015. Collection method: clinical testing. Allele origin: germline.
Comment: This variant is classified as likely benign based on ACMG/AMP sequence variant interpretation guidelines (Richards et al. 2015 PMID: 25741868, with internal and published modifications).